The following is an entry in ClinVar:

NM_007078.3(LDB3):c.218G>A (p.Ser73Asn)

Gene: LDB3 (LIM domain binding 3; plus strand). Cytogenetic location: 10q23.2.
Variant type: single nucleotide variant.
Coding change: c.218G>A on transcript NM_007078.3 (MANE Select); coding-DNA position 218, G replaced by A.
Protein change: p.Ser73Asn; replaces serine 73 with asparagine.
Molecular consequence: missense variant.
Genome position (GRCh38, 1-based): chr10:86,679,491, G>A. VCF-style: chr10-86679491-G-A. GRCh37 (hg19) VCF-style: chr10-88439248-G-A.
Other names: c.218G>A, p.Ser73Asn (NM_001080114.2, NM_001080115.2, NM_001080116.1 and 8 more transcripts); short protein forms S73N.
Identifiers: ClinVar variation 1922227 (VCV001922227.5), dbSNP rs1844992525, ClinGen allele CA377451489.
Genomic context (GRCh38, chr10:86,679,491, plus strand): 5'-ACGGCGTCAACACAGACACCATGACCCACCTGGAAGCCCAGAACAAGATCAAGTCTGCCA[G>A]CTACAACTTGAGCCTCACCCTGCAGAAGTAGGTGGGAGCTCTCCAGAGCAGGGGGCGGAG-3'
Protein context (NP_009009.1, residues 63-83): LEAQNKIKSA[Ser73Asn]YNLSLTLQKS

ClinVar aggregate classification (germline): Uncertain significance (1 of 4 stars; one submission).

Conditions:
Myofibrillar myopathy 4. Also called: Zaspopathy (type). Identifiers: Orphanet 98912, MedGen C4721886, MONDO:0012277, OMIM 609452.

Submission:

Labcorp Genetics (formerly Invitae), Labcorp
Classification: Uncertain significance for Myofibrillar myopathy 4. Last evaluated: 2022-11-15. Review status: criteria provided, single submitter. Criteria: Invitae Variant Classification Sherloc (09022015). Collection method: clinical testing. Allele origin: germline.
Comment: Algorithms developed to predict the effect of missense changes on protein structure and function output the following: SIFT: "Tolerated"; PolyPhen-2: "Benign"; Align-GVGD: "Class C0". The asparagine amino acid residue is found in multiple mammalian species, which suggests that this missense change does not adversely affect protein function. This variant has not been reported in the literature in individuals affected with LDB3-related conditions. This variant is not present in population databases (gnomAD no frequency). This sequence change replaces serine, which is neutral and polar, with asparagine, which is neutral and polar, at codon 73 of the LDB3 protein (p.Ser73Asn). In summary, the available evidence is currently insufficient to determine the role of this variant in disease. Therefore, it has been classified as a Variant of Uncertain Significance.